The following is an entry in ClinVar:

NM_000312.4(PROC):c.748A>G (p.Thr250Ala)

Gene: PROC (protein C, inactivator of coagulation factors Va and VIIIa; plus strand). Cytogenetic location: 2q14.3.
Variant type: single nucleotide variant.
Coding change: c.748A>G on transcript NM_000312.4 (MANE Select); coding-DNA position 748, A replaced by G.
Protein change: p.Thr250Ala; replaces threonine 250 with alanine.
Molecular consequence: missense variant.
Genome position (GRCh38, 1-based): chr2:127,427,174, A>G. VCF-style: chr2-127427174-A-G. GRCh37 (hg19) VCF-style: chr2-128184750-A-G.
Other names: c.916A>G, p.Thr306Ala (NM_001375606.1); c.934A>G, p.Thr312Ala (NM_001375607.1); c.691A>G, p.Thr231Ala (NM_001375608.1); c.724A>G, p.Thr242Ala (NM_001375609.1); c.742A>G, p.Thr248Ala (NM_001375610.1); c.748A>G, p.Thr250Ala (NM_001375611.1, NM_001375613.1); c.931A>G, p.Thr311Ala (NM_001375602.1); c.913A>G, p.Thr305Ala (NM_001375603.1); and 2 more; short protein forms T231A, T250A, T306A, T242A, T284A, T311A, T248A, T271A.
Identifiers: ClinVar variation 4795493 (VCV004795493.1).

ClinVar aggregate classification (germline): Uncertain significance (1 of 4 stars; one submission).

Submission:

GeneDx
Classification: Uncertain significance. Last evaluated: 2025-07-22. Review status: criteria provided, single submitter. Criteria: GeneDx Variant Classification Process June 2021. Collection method: clinical testing. Allele origin: germline. Affected: yes.
Comment: Not observed at significant frequency in large population cohorts (gnomAD); In silico analysis supports that this missense variant has a deleterious effect on protein structure/function; Has not been previously published as pathogenic or benign to our knowledge